The following is an entry in ClinVar:

NM_004006.3(DMD):c.8374_8375del (p.Lys2792fs)

Gene: DMD (dystrophin; minus strand). Cytogenetic location: Xp21.1.
Variant type: Deletion.
Coding change: c.8374_8375del on transcript NM_004006.3 (MANE Select); coding-DNA positions 8374 to 8375, 2 bases deleted (AA; older notation c.8374_8375delAA).
Protein change: p.Lys2792fs; shifts the reading frame from lysine 2792.
Molecular consequence: frameshift variant.
Genome position (GRCh38, 1-based): chrX:31,507,296-31,507,297, TT deleted on the plus strand (AA on the coding strand, the reverse complement: DMD is on the minus strand); deleting any 2 consecutive bases within chrX:31,507,296-31,507,300 gives the same sequence; the c. name uses the placement nearest the transcript's 3' end. VCF-style (leftmost placement, unchanged base first): chrX-31507295-CTT-C. GRCh37 (hg19) VCF-style: chrX-31525412-CTT-C.
Other names: c.994_995del, p.Lys332fs (NM_004022.3, NM_004023.3, NM_004013.3 and 2 more transcripts); c.8350_8351del, p.Lys2784fs (NM_000109.4); c.8362_8363del, p.Lys2788fs (NM_004009.3); c.8005_8006del, p.Lys2669fs (NM_004010.3); c.4351_4352del, p.Lys1451fs (NM_004011.4); c.4342_4343del, p.Lys1448fs (NM_004012.4); c.187_188del, p.Lys63fs (NM_004014.3); c.8374_8375delAA (NM_004006.2); short protein forms K2792fs, K2788fs, K1448fs, K2669fs, K63fs, K1451fs, K2784fs, K332fs.
Identifiers: ClinVar variation 94804 (VCV000094804.10), dbSNP rs398124070, ClinGen allele CA267162.
Genomic context (GRCh38, chrX:31,507,295, plus strand): 5'-CCATTTTAATTCATTTGTGGCCTTTTTGCTCCACATCTTTTCCTACCTAATGTTGAGAGA[CTT>C]TTTCCGAAGTTCACTCCACTTGAAGTTCATGTTATCCAAACGTCTTTGTAACAGGACTGC-3'

ClinVar aggregate classification (germline): Pathogenic. Review status: criteria provided, multiple submitters, no conflicts (2 of 4 stars). 2 submissions from 2 submitters: Pathogenic (2). Last evaluated 2022-04-25.

Conditions:
Duchenne muscular dystrophy (DMD). Also called: Duchenne Muscular Dystrophy (DMD); MUSCULAR DYSTROPHY, PSEUDOHYPERTROPHIC PROGRESSIVE, DUCHENNE TYPE. Identifiers: Orphanet 98896, MedGen C0013264, MONDO:0010679, OMIM 310200.

Submissions (2):

Labcorp Genetics (formerly Invitae), Labcorp
Classification: Pathogenic for Duchenne muscular dystrophy. Last evaluated: 2022-04-25. Review status: criteria provided, single submitter. Criteria: Invitae Variant Classification Sherloc (09022015). Collection method: clinical testing. Allele origin: germline.
Comment: For these reasons, this variant has been classified as Pathogenic. ClinVar contains an entry for this variant (Variation ID: 94804). This premature translational stop signal has been observed in individual(s) with clinical features of DMD-related conditions (PMID: 31671740). This variant is not present in population databases (gnomAD no frequency). This sequence change creates a premature translational stop signal (p.Lys2792Valfs*5) in the DMD gene. It is expected to result in an absent or disrupted protein product. Loss-of-function variants in DMD are known to be pathogenic (PMID: 16770791, 25007885).

Eurofins Ntd Llc (ga)
Classification: Pathogenic. Last evaluated: 2014-04-25. Review status: criteria provided, single submitter. Criteria: EGL Classification Definitions 2015. Collection method: clinical testing. Allele origin: germline. Observed: 3 variant alleles, 1 heterozygote, 2 hemizygotes.

Literature cited by the submitters: PubMed 31671740 (cited by Labcorp Genetics (formerly Invitae), Labcorp); PubMed 16770791 (cited by Labcorp Genetics (formerly Invitae), Labcorp); PubMed 25007885 (cited by Labcorp Genetics (formerly Invitae), Labcorp).